The following is an entry in ClinVar:

NM_000719.7(CACNA1C):c.142dup (p.Ala48fs)

Gene: CACNA1C (calcium voltage-gated channel subunit alpha1 C; plus strand). Cytogenetic location: 12p13.33.
Variant type: Duplication.
Coding change: c.142dup on transcript NM_000719.7 (MANE Select); coding-DNA position 142, one base duplicated (G; older notation c.142dupG).
Protein change: p.Ala48fs; shifts the reading frame from alanine 48.
Molecular consequence: frameshift variant.
Genome position (GRCh38, 1-based): chr12:2,115,316, G duplicated; the last of 5 consecutive G bases (chr12:2,115,312-2,115,316); duplicating any one gives the same sequence. VCF-style (leftmost placement, unchanged base first): chr12-2115311-C-CG. GRCh37 (hg19) VCF-style: chr12-2224477-C-CG.
Other names: c.142dup, p.Ala48fs (NM_001129827.2, NM_001129829.2, NM_001129830.3 and 19 more transcripts); short protein forms A48fs.
Identifiers: ClinVar variation 1024927 (VCV001024927.7), dbSNP rs2083404928, ClinGen allele CA2012289706.
Genomic context (GRCh38, chr12:2,115,311, plus strand): 5'-CCCATGCCAACATGAATGCCAATGCGGCAGCGGGGCTGGCCCCTGAGCACATCCCCACCC[C>CG]GGGGGCTGCCCTGTCGTGGCAGGCGGCCATCGACGCAGCCCGGCAGGCTAAGCTGATGGG-3'

ClinVar aggregate classification (germline): Uncertain significance (1 of 4 stars; one submission).

Conditions:
Long QT syndrome (LQTS). Identifiers: MedGen C0023976, MeSH D008133, MONDO:0002442. Disease mechanism: loss of function. Inheritance: Various modes of inheritance.

Submission:

Labcorp Genetics (formerly Invitae), Labcorp
Classification: Uncertain significance for Long QT syndrome. Last evaluated: 2022-07-19. Review status: criteria provided, single submitter. Criteria: Invitae Variant Classification Sherloc (09022015). Collection method: clinical testing. Allele origin: germline.
Comment: In summary, the available evidence is currently insufficient to determine the role of this variant in disease. Therefore, it has been classified as a Variant of Uncertain Significance. ClinVar contains an entry for this variant (Variation ID: 1024927). This variant has not been reported in the literature in individuals affected with CACNA1C-related conditions. This variant is not present in population databases (gnomAD no frequency). This sequence change creates a premature translational stop signal (p.Ala48Glyfs*16) in the CACNA1C gene. It is expected to result in an absent or disrupted protein product. However, the current clinical and genetic evidence is not sufficient to establish whether loss-of-function variants in CACNA1C cause disease.